The following is an entry in ClinVar:

NM_031471.6(FERMT3):c.308G>A (p.Arg103Gln)

Gene: FERMT3 (FERM domain containing kindlin 3; plus strand). Cytogenetic location: 11q13.1.
Variant type: single nucleotide variant.
Coding change: c.308G>A on transcript NM_031471.6 (MANE Select); coding-DNA position 308, G replaced by A.
Protein change: p.Arg103Gln; replaces arginine 103 with glutamine.
Molecular consequence: missense variant. On other transcripts: 5 prime UTR variant (2).
Genome position (GRCh38, 1-based): chr11:64,210,758, G>A. VCF-style: chr11-64210758-G-A. GRCh37 (hg19) VCF-style: chr11-63978230-G-A.
Other names: c.308G>A, p.Arg103Gln (NM_001382361.1, NM_001382362.1, NM_001382448.1 and 1 more transcripts); c.-233G>A (NM_001382363.1, NM_001382364.1); short protein forms R103Q.
Identifiers: ClinVar variation 935214 (VCV000935214.6), dbSNP rs1430138108, ClinGen allele CA381081383.

ClinVar aggregate classification (germline): Uncertain significance. Review status: criteria provided, multiple submitters, no conflicts (2 of 4 stars). 2 submissions from 2 submitters: Uncertain significance (2). Last evaluated 2022-09-13.

Conditions:
Leukocyte adhesion deficiency 3. Also called: INTEGRIN ACTIVATION DEFICIENCY DISEASE; LEUKOCYTE ADHESION DEFICIENCY 1 VARIANT; Leukocyte adhesion deficiency, type III. Identifiers: Orphanet 2968, Orphanet 99844, MedGen C2748536, MONDO:0013016, OMIM 612840.

Allele frequency attached by ClinVar (database versions not stated): gnomAD exomes below 0.00001 and 0.00001; TOPMed 0.00006; gnomAD 0.00008 and 0.00009.
gnomAD v4.1: 25 of 1,614,012 alleles (0.0015%); highest among the groups gnomAD compares: Admixed American, 0.027%; no homozygotes.

Submissions (2):

Labcorp Genetics (formerly Invitae), Labcorp
Classification: Uncertain significance for Leukocyte adhesion deficiency 3. Last evaluated: 2022-09-13. Review status: criteria provided, single submitter. Criteria: Invitae Variant Classification Sherloc (09022015). Collection method: clinical testing. Allele origin: germline.
Comment: This sequence change replaces arginine, which is basic and polar, with glutamine, which is neutral and polar, at codon 103 of the FERMT3 protein (p.Arg103Gln). This variant is present in population databases (no rsID available, gnomAD 0.006%). This variant has not been reported in the literature in individuals affected with FERMT3-related conditions. ClinVar contains an entry for this variant (Variation ID: 935214). Advanced modeling of protein sequence and biophysical properties (such as structural, functional, and spatial information, amino acid conservation, physicochemical variation, residue mobility, and thermodynamic stability) performed at Invitae indicates that this missense variant is not expected to disrupt FERMT3 protein function. Algorithms developed to predict the effect of sequence changes on RNA splicing suggest that this variant may create or strengthen a splice site. In summary, the available evidence is currently insufficient to determine the role of this variant in disease. Therefore, it has been classified as a Variant of Uncertain Significance.

Breakthrough Genomics
Classification: Uncertain significance. Review status: criteria provided, single submitter. Criteria: ACMG Guidelines, 2015. Collection method: not provided. Allele origin: germline. Inheritance: Autosomal recessive inheritance. Affected: yes.